The following is an entry in ClinVar:

NM_001283009.2(RTEL1):c.3140C>T (p.Ser1047Phe)

Genes: RTEL1 (regulator of telomere elongation helicase 1; plus strand), RTEL1-TNFRSF6B (RTEL1-TNFRSF6B readthrough (NMD candidate); plus strand). Cytogenetic location: 20q13.33.
Variant type: single nucleotide variant.
Coding change: c.3140C>T on transcript NM_001283009.2 (MANE Select); coding-DNA position 3140, C replaced by T.
Protein change: p.Ser1047Phe; replaces serine 1047 with phenylalanine.
Molecular consequence: missense variant. On other transcripts: non-coding transcript variant (1).
Genome position (GRCh38, 1-based): chr20:63,694,771, C>T. VCF-style: chr20-63694771-C-T. GRCh37 (hg19) VCF-style: chr20-62326124-C-T.
Other names: c.2471C>T, p.Ser824Phe (NM_001283010.1); c.3140C>T, p.Ser1047Phe (NM_016434.4); c.3212C>T, p.Ser1071Phe (NM_032957.5); short protein forms S1047F, S824F, S1071F.
Identifiers: ClinVar variation 3948307 (VCV003948307.2).

ClinVar aggregate classification (germline): Uncertain significance. Review status: criteria provided, multiple submitters, no conflicts (2 of 4 stars). 2 submissions from 2 submitters: Uncertain significance (2). Last evaluated 2025-11-24.

Conditions:
Dyskeratosis congenita, autosomal recessive 5 (DKCB5). Identifiers: MedGen C3554656, MONDO:0014076, OMIM 615190.
Pulmonary fibrosis and/or bone marrow failure, Telomere-related, 3. Also called: PULMONARY FIBROSIS AND/OR BONE MARROW FAILURE SYNDROME, TELOMERE-RELATED, 3. Identifiers: Orphanet 2032, MedGen C4225346, MONDO:0014613, OMIM 616373.
Inborn genetic diseases. Identifiers: MedGen C0950123, MeSH D030342.

gnomAD v4.1: 2 of 1,610,584 alleles (0.00012%); highest among the groups gnomAD compares: Non-Finnish European, 0.00017%; no homozygotes.

Submissions (2):

Labcorp Genetics (formerly Invitae), Labcorp
Classification: Uncertain significance for Dyskeratosis congenita, autosomal recessive 5; Pulmonary fibrosis and/or bone marrow failure, Telomere-related, 3. Last evaluated: 2025-11-24. Review status: criteria provided, single submitter. Criteria: Invitae Variant Classification Sherloc (09022015). Collection method: clinical testing. Allele origin: germline.
Comment: This sequence change replaces serine, which is neutral and polar, with phenylalanine, which is neutral and non-polar, at codon 1047 of the RTEL1 protein (p.Ser1047Phe). This variant is not present in population databases (gnomAD no frequency). This variant has not been reported in the literature in individuals affected with RTEL1-related conditions. ClinVar contains an entry for this variant (Variation ID: 3948307). An algorithm developed to predict the effect of missense changes on protein structure and function (PolyPhen-2) suggests that this variant is likely to be tolerated. In summary, the available evidence is currently insufficient to determine the role of this variant in disease. Therefore, it has been classified as a Variant of Uncertain Significance.

Ambry Genetics
Classification: Uncertain significance for Inborn genetic diseases. Last evaluated: 2025-04-06. Review status: criteria provided, single submitter. Criteria: Ambry Variant Classification Scheme 2023. Collection method: clinical testing. Allele origin: germline.
Comment: The p.S1047F variant (also known as c.3140C>T), located in coding exon 31 of the RTEL1 gene, results from a C to T substitution at nucleotide position 3140. The serine at codon 1047 is replaced by phenylalanine, an amino acid with highly dissimilar properties. This amino acid position is conserved. In addition, this alteration is predicted to be tolerated by in silico analysis. Based on the available evidence, the clinical significance of this variant remains unclear.